The following is an entry in ClinVar:

NM_002633.3(PGM1):c.1294G>T (p.Glu432Ter)

Gene: PGM1 (phosphoglucomutase 1; plus strand). Cytogenetic location: 1p31.3.
Variant type: single nucleotide variant.
Coding change: c.1294G>T on transcript NM_002633.3 (MANE Select); coding-DNA position 1294, G replaced by T.
Protein change: p.Glu432Ter; replaces glutamic acid 432 with a stop codon.
Molecular consequence: nonsense.
Genome position (GRCh38, 1-based): chr1:63,651,682, G>T. VCF-style: chr1-63651682-G-T. GRCh37 (hg19) VCF-style: chr1-64117353-G-T.
Other names: c.1348G>T, p.Glu450Ter (NM_001172818.1); c.703G>T, p.Glu235Ter (NM_001172819.2); short protein forms E235*, E432*, E450*.
Identifiers: ClinVar variation 4856032 (VCV004856032.1).
Genomic context (GRCh38, chr1:63,651,682, plus strand): 5'-GTGATCTGCAGTCAGCCCGTGGGCCTCAACTTCGTGACTTCTTCCAGGTATGATTACGAG[G>T]AGGTGGAAGCTGAGGGCGCAAACAAAATGATGAAGGACTTGGAGGCCCTGATGTTTGATC-3'

ClinVar aggregate classification (germline): Pathogenic (1 of 4 stars; one submission).

Conditions:
PGM1-congenital disorder of glycosylation. Also called: PHOSPHOGLUCOMUTASE 1 DEFICIENCY; PGM1 DEFICIENCY; GLYCOGEN STORAGE DISEASE XIV; GSD XIV; Congenital disorder of glycosylation type 1t; CDG It. Identifiers: Orphanet 319646, MedGen C2752015, MONDO:0013968, OMIM 614921.

Submission:

3billion
Classification: Pathogenic for PGM1-congenital disorder of glycosylation. Last evaluated: 2025-05-01. Review status: criteria provided, single submitter. Criteria: ACMG Guidelines, 2015. Collection method: clinical testing. Allele origin: germline. Affected: yes.
Comment: The variant is not observed in the gnomAD v4.1.0 dataset. Predicted Consequence/Location: Stop-gained (nonsense): predicted to result in a loss or disruption of normal protein function through nonsense-mediated decay (NMD) or protein truncation. Multiple pathogenic variants are reported downstream of the variant. Therefore, this variant is classified as Pathogenic according to the recommendation of ACMG/AMP guideline.